The following is an entry in ClinVar:

NM_000163.5(GHR):c.40G>A (p.Gly14Arg)

Gene: GHR (growth hormone receptor; plus strand). Cytogenetic location: 5p12.
Variant type: single nucleotide variant.
Coding change: c.40G>A on transcript NM_000163.5 (MANE Select); coding-DNA position 40, G replaced by A.
Protein change: p.Gly14Arg; replaces glycine 14 with arginine.
Molecular consequence: missense variant.
Genome position (GRCh38, 1-based): chr5:42,565,914, G>A. VCF-style: chr5-42565914-G-A. GRCh37 (hg19) VCF-style: chr5-42566016-G-A.
Other names: c.61G>A, p.Gly21Arg (NM_001242399.2); c.40G>A, p.Gly14Arg (NM_001242400.2, NM_001242401.4, NM_001242402.2 and 6 more transcripts); short protein forms G14R, G21R.
Identifiers: ClinVar variation 2066245 (VCV002066245.2), dbSNP rs372245866, ClinGen allele CA3254285.

ClinVar aggregate classification (germline): Uncertain significance (1 of 4 stars; one submission).

Allele frequency attached by ClinVar (database versions not stated): ExAC 0.00007; gnomAD exomes 0.00012; TOPMed 0.00012; ESP Exome Variant Server 0.00015; gnomAD 0.00020.
gnomAD v4.1: 204 of 1,613,992 alleles (0.013%); highest among the groups gnomAD compares: African/African-American, 0.02%; no homozygotes.

Submission:

Labcorp Genetics (formerly Invitae), Labcorp
Classification: Uncertain significance. Last evaluated: 2024-01-18. Review status: criteria provided, single submitter. Criteria: Invitae Variant Classification Sherloc (09022015). Collection method: clinical testing. Allele origin: germline.
Comment: This sequence change replaces glycine, which is neutral and non-polar, with arginine, which is basic and polar, at codon 14 of the GHR protein (p.Gly14Arg). This variant is present in population databases (rs372245866, gnomAD 0.02%). This missense change has been observed in individual(s) with primary insulin-like growth factor-I deficiency (PMID: 29073591). ClinVar contains an entry for this variant (Variation ID: 2066245). An algorithm developed to predict the effect of missense changes on protein structure and function (PolyPhen-2) suggests that this variant is likely to be disruptive. In summary, the available evidence is currently insufficient to determine the role of this variant in disease. Therefore, it has been classified as a Variant of Uncertain Significance.

Literature cited by the submitters: PubMed 29073591.